The following is an entry in ClinVar:

NM_030957.4(ADAMTS10):c.25C>T (p.Arg9Cys)

Gene: ADAMTS10 (ADAM metallopeptidase with thrombospondin type 1 motif 10; minus strand). Cytogenetic location: 19p13.2.
Variant type: single nucleotide variant.
Coding change: c.25C>T on transcript NM_030957.4 (MANE Select); coding-DNA position 25, C replaced by T.
Protein change: p.Arg9Cys; replaces arginine 9 with cysteine.
Molecular consequence: missense variant.
Genome position (GRCh38, 1-based): chr19:8,605,686, G>A on the plus strand (C>T on the coding strand, the complement: ADAMTS10 is on the minus strand). VCF-style: chr19-8605686-G-A. GRCh37 (hg19) VCF-style: chr19-8670571-G-A.
Other names: c.25C>T (NM_030957.2); short protein forms R9C.
Identifiers: ClinVar variation 1523781 (VCV001523781.7), dbSNP rs781837913, ClinGen allele CA9160968.

ClinVar aggregate classification (germline): Uncertain significance. Review status: criteria provided, multiple submitters, no conflicts (2 of 4 stars). 2 submissions from 2 submitters: Uncertain significance (2). Last evaluated 2025-08-11.

Conditions:
Inborn genetic diseases. Identifiers: MedGen C0950123, MeSH D030342.

Allele frequency attached by ClinVar (database versions not stated): TOPMed 0.00001; gnomAD exomes 0.00002; ExAC 0.00004.
gnomAD v4.1: 24 of 1,612,102 alleles (0.0015%); highest among the groups gnomAD compares: East Asian, 0.011%; no homozygotes.

Submissions (2):

Ambry Genetics
Classification: Uncertain significance for Inborn genetic diseases. Last evaluated: 2025-08-11. Review status: criteria provided, single submitter. Criteria: Ambry Variant Classification Scheme 2023. Collection method: clinical testing. Allele origin: germline.

Labcorp Genetics (formerly Invitae), Labcorp
Classification: Uncertain significance. Last evaluated: 2022-01-16. Review status: criteria provided, single submitter. Criteria: Invitae Variant Classification Sherloc (09022015). Collection method: clinical testing. Allele origin: germline.
Comment: This sequence change replaces arginine, which is basic and polar, with cysteine, which is neutral and slightly polar, at codon 9 of the ADAMTS10 protein (p.Arg9Cys). This variant is present in population databases (rs781837913, gnomAD 0.01%). In summary, the available evidence is currently insufficient to determine the role of this variant in disease. Therefore, it has been classified as a Variant of Uncertain Significance. Algorithms developed to predict the effect of missense changes on protein structure and function output the following: SIFT: "Tolerated"; PolyPhen-2: "Benign"; Align-GVGD: "Class C0". The cysteine amino acid residue is found in multiple mammalian species, which suggests that this missense change does not adversely affect protein function. This variant has not been reported in the literature in individuals affected with ADAMTS10-related conditions.